The following is an entry in ClinVar:

ClinVar aggregate classification (germline): Pathogenic (1 of 4 stars; one submission).

Conditions:
Neurofibromatosis, type 1 (NF1). Also called: Neurofibromatosis, type I; VON RECKLINGHAUSEN DISEASE; NEUROFIBROMATOSIS, TYPE I, SOMATIC; Peripheral type neurofibromatosis. Identifiers: Orphanet 636, MedGen C0027831, MONDO:0018975, OMIM 162200. Disease mechanism: loss of function.

Submission:

Labcorp Genetics (formerly Invitae), Labcorp
Classification: Pathogenic for Neurofibromatosis, type 1. Last evaluated: 2023-02-23. Review status: criteria provided, single submitter. Criteria: Invitae Variant Classification Sherloc (09022015). Collection method: clinical testing. Allele origin: germline.
Comment: For these reasons, this variant has been classified as Pathogenic. This variant has not been reported in the literature in individuals affected with NF1-related conditions. This variant is not present in population databases (gnomAD no frequency). This sequence change creates a premature translational stop signal (p.Leu1624Tyrfs*6) in the NF1 gene. It is expected to result in an absent or disrupted protein product. Loss-of-function variants in NF1 are known to be pathogenic (PMID: 10712197, 23913538).

Literature cited by the submitters: PubMed 10712197; PubMed 23913538.

NM_001042492.3(NF1):c.4933_4934del (p.Leu1645fs)

Gene: NF1 (neurofibromin 1; plus strand). Cytogenetic location: 17q11.2.
Variant type: Deletion.
Coding change: c.4933_4934del on transcript NM_001042492.3 (MANE Select); coding-DNA positions 4933 to 4934, 2 bases deleted (CT; older notation c.4933_4934delCT).
Protein change: p.Leu1645fs; shifts the reading frame from leucine 1645.
Molecular consequence: frameshift variant.
Genome position (GRCh38, 1-based): chr17:31,325,917-31,325,918, CT deleted. VCF-style (leftmost placement, unchanged base first): chr17-31325916-CCT-C. GRCh37 (hg19) VCF-style: chr17-29652934-CCT-C.
Other names: c.4870_4871delCT, p.Leu1624Tyrfs (NM_000267.4); short protein forms L1645fs, L1624fs.
Identifiers: ClinVar variation 2840182 (VCV002840182.3), dbSNP rs2508695148, ClinGen allele CA2739267454.